The following is an entry in ClinVar:

NM_032242.4(PLXNA1):c.2624C>T (p.Pro875Leu)

Gene: PLXNA1 (plexin A1; plus strand). Cytogenetic location: 3q21.3.
Variant type: single nucleotide variant.
Coding change: c.2624C>T on transcript NM_032242.4 (MANE Select); coding-DNA position 2624, C replaced by T.
Protein change: p.Pro875Leu; replaces proline 875 with leucine.
Molecular consequence: missense variant.
Genome position (GRCh38, 1-based): chr3:127,014,497, C>T. VCF-style: chr3-127014497-C-T. GRCh37 (hg19) VCF-style: chr3-126733340-C-T.
Other names: short protein forms P875L.
Identifiers: ClinVar variation 4984684 (VCV004984684.1).

ClinVar aggregate classification (germline): Uncertain significance (1 of 4 stars; one submission).

Conditions:
PLXNA1-related disorder. Also called: PLXNA1-related condition.

gnomAD v4.1: 13 of 1,604,868 alleles (0.00081%); highest among the groups gnomAD compares: Middle Eastern, 0.049%; no homozygotes.

Submission:

PreventionGenetics, part of Exact Sciences
Classification: Uncertain significance for PLXNA1-related condition. Last evaluated: 2025-05-22. Review status: criteria provided, single submitter. Criteria: ACMG Guidelines, 2015. Collection method: clinical testing. Allele origin: germline.
Comment: The PLXNA1 c.2624C>T variant is predicted to result in the amino acid substitution p.Pro875Leu. To our knowledge, this variant has not been reported in the literature. This variant is reported in 0.0055% of alleles in individuals of East Asian descent in gnomAD. At this time, the clinical significance of this variant is uncertain due to the absence of conclusive functional and genetic evidence.